The following is an entry in ClinVar:

ClinVar aggregate classification (germline): Pathogenic/Likely pathogenic. Review status: criteria provided, multiple submitters, no conflicts (2 of 4 stars). 5 submissions from 5 submitters: Pathogenic (3); Likely pathogenic (1). 1 of the submissions does not count toward it. Last evaluated 2026-01-20.

Conditions:
Galactosylceramide beta-galactosidase deficiency. Also called: GALACTOCEREBROSIDASE DEFICIENCY; GALC DEFICIENCY; GLOBOID CELL LEUKOENCEPHALOPATHY; Leukodystrophy, Globoid Cell; Krabbe Disease. Identifiers: Orphanet 487, MedGen C0023521, MONDO:0009499, OMIM 245200.

Allele frequency attached by ClinVar (database versions not stated): gnomAD exomes below 0.00001; TOPMed below 0.00001; gnomAD 0.00001.
gnomAD v4.1: 3 of 1,519,566 alleles (0.0002%); highest among the groups gnomAD compares: African/African-American, 0.0014%; no homozygotes.

Submissions (5):

Natera, Inc.
Classification: Pathogenic for Galactosylceramide beta-galactosidase deficiency. Last evaluated: 2026-01-20. Review status: criteria provided, single submitter. Criteria: Natera Variant Classification Schema (03/2026). Collection method: clinical testing. Allele origin: germline.
Comment: The c.195+1G>A variant in GALC is a canonical splice donor site variant predicted to affect pre-mRNA splicing, which may result in an abnormal transcript and altered protein product. This variant is expected to result in nonsense mediated decay, truncation, or a dysfunctional protein product. This variant is rare in the general population with a frequency below the threshold expected for the associated phenotype(s). This variant has been observed in one or more individuals affected with the associated recessive disease, as either homozygous or compound heterozygous with a second variant (PMID: 28598007). Given the available evidence, this variant is classified as Pathogenic.

Revvity Omics, Revvity
Classification: Pathogenic. Last evaluated: 2025-06-24. Review status: criteria provided, single submitter. Criteria: ACMG Guidelines, 2015. Collection method: clinical testing. Allele origin: germline.

Labcorp Genetics (formerly Invitae), Labcorp
Classification: Pathogenic for Galactosylceramide beta-galactosidase deficiency. Last evaluated: 2024-12-16. Review status: criteria provided, single submitter. Criteria: Invitae Variant Classification Sherloc (09022015). Collection method: clinical testing. Allele origin: germline.
Comment: This sequence change affects a donor splice site in intron 1 of the GALC gene. It is expected to disrupt RNA splicing. Variants that disrupt the donor or acceptor splice site typically lead to a loss of protein function (PMID: 16199547), and loss-of-function variants in GALC are known to be pathogenic (PMID: 7437911, 9272171, 16607461). This variant is not present in population databases (gnomAD no frequency). Disruption of this splice site has been observed in individual(s) with Krabbe disease (PMID: 28598007). This variant is also known as c.147+1G>A. ClinVar contains an entry for this variant (Variation ID: 432166). Algorithms developed to predict the effect of sequence changes on RNA splicing suggest that this variant may disrupt the consensus splice site. For these reasons, this variant has been classified as Pathogenic.

GeneDx
Classification: Likely pathogenic. Last evaluated: 2016-06-14. Review status: criteria provided, single submitter. Criteria: GeneDx Variant Classification (06012015). Collection method: clinical testing. Allele origin: germline. Affected: yes.
Comment: The c.195+1 G>A splice site variant destroys the canonical splice donor site of intron 1. It is predicted to cause abnormal gene splicing, either leading to an abnormal message that is subject to nonsense-mediated mRNA decay, or to an abnormal protein product if the message is used for protein translation. Although this variant has no been previously reported to our knowledge, it is interpreted to be likely pathogenic.

Counsyl
Classification: Likely pathogenic for Galactosylceramide beta-galactosidase deficiency. Last evaluated: 2017-03-29. Review status: no assertion criteria provided. Collection method: clinical testing. Allele origin: unknown. Not counted in ClinVar's aggregate classification.

Literature cited by the submitters: PubMed 28598007 (cited by Natera, Inc. and Labcorp Genetics (formerly Invitae), Labcorp); PubMed 16199547 (cited by Labcorp Genetics (formerly Invitae), Labcorp); PubMed 7437911 (cited by Labcorp Genetics (formerly Invitae), Labcorp); PubMed 9272171 (cited by Labcorp Genetics (formerly Invitae), Labcorp); PubMed 16607461 (cited by Labcorp Genetics (formerly Invitae), Labcorp); PubMed 26795590 (cited by Counsyl).

NM_000153.4(GALC):c.195+1G>A

Genes: GALC (galactosylceramidase; minus strand), LOC130056217 (ATAC-STARR-seq lymphoblastoid silent region 5988; plus strand). Cytogenetic location: 14q31.3.
Variant type: single nucleotide variant.
Coding change: c.195+1G>A on transcript NM_000153.4 (MANE Select); the canonical splice donor site of the intron after coding-DNA position 195, G replaced by A.
Molecular consequence: splice donor variant. On other transcripts: intron variant (1).
Genome position (GRCh38, 1-based): chr14:87,992,969, C>T on the plus strand (G>A on the coding strand, the complement: GALC is on the minus strand). VCF-style: chr14-87992969-C-T. GRCh37 (hg19) VCF-style: chr14-88459313-C-T.
Other names: c.117+414G>A (NM_001201402.2); c.195+1G>A (NM_001201401.2).
Identifiers: ClinVar variation 432166 (VCV000432166.16), dbSNP rs1009872980, ClinGen allele CA390771649.
Genomic context (GRCh38, chr14:87,992,969, plus strand): 5'-GGCTGGCCCCACGGGGCGGGCTCTTGCCGCCCCCCGCGTATCCCCGCAGCTTGCCGCTCA[C>T]CCCGCCGCCGCTGACCGCGCCGATGCCGTCGAACTCCCGGCCCAGCCCGTCGGAGTCGTC-3'